The following is an entry in ClinVar:

NM_003119.4(SPG7):c.1711G>T (p.Val571Phe)

Gene: SPG7 (SPG7 matrix AAA peptidase subunit, paraplegin; plus strand). Cytogenetic location: 16q24.3.
Variant type: single nucleotide variant.
Coding change: c.1711G>T on transcript NM_003119.4 (MANE Select); coding-DNA position 1711, G replaced by T.
Protein change: p.Val571Phe; replaces valine 571 with phenylalanine.
Molecular consequence: missense variant.
Genome position (GRCh38, 1-based): chr16:89,550,541, G>T. VCF-style: chr16-89550541-G-T. GRCh37 (hg19) VCF-style: chr16-89616949-G-T.
Other names: c.1711G>T, p.Val571Phe (NM_001363850.1); short protein forms V571F.
Identifiers: ClinVar variation 2910085 (VCV002910085.3), dbSNP rs1182986881, ClinGen allele CA397430943.

ClinVar aggregate classification (germline): Uncertain significance (1 of 4 stars; one submission).

Conditions:
Hereditary spastic paraplegia 7 (SPG7). Also called: SPG7-related neurologic disorder; Spastic paraplegia 7; Hereditary spastic paraplegia Paraplegin type; Autosomal recessive spastic paraplegia type 7; SPASTIC PARAPLEGIA 7, AUTOSOMAL RECESSIVE, WITH OR WITHOUT CEREBELLAR ATAXIA. Identifiers: Orphanet 99013, MedGen C1846564, MONDO:0011803, OMIM 607259.

Submission:

Labcorp Genetics (formerly Invitae), Labcorp
Classification: Uncertain significance for Hereditary spastic paraplegia 7. Last evaluated: 2025-06-18. Review status: criteria provided, single submitter. Criteria: Invitae Variant Classification Sherloc (09022015). Collection method: clinical testing. Allele origin: germline.
Comment: This sequence change replaces valine, which is neutral and non-polar, with phenylalanine, which is neutral and non-polar, at codon 571 of the SPG7 protein (p.Val571Phe). This variant is not present in population databases (gnomAD no frequency). This variant has not been reported in the literature in individuals affected with SPG7-related conditions. ClinVar contains an entry for this variant (Variation ID: 2910085). Invitae Evidence Modeling of protein sequence and biophysical properties (such as structural, functional, and spatial information, amino acid conservation, physicochemical variation, residue mobility, and thermodynamic stability) indicates that this missense variant is expected to disrupt SPG7 protein function with a positive predictive value of 80%. In summary, the available evidence is currently insufficient to determine the role of this variant in disease. Therefore, it has been classified as a Variant of Uncertain Significance.